The following is an entry in ClinVar:

ClinVar aggregate classification (germline): Uncertain significance. Review status: criteria provided, multiple submitters, no conflicts (2 of 4 stars). 2 submissions from 2 submitters: Uncertain significance (2). Last evaluated 2023-06-22.

Conditions:
Inborn genetic diseases. Identifiers: MedGen C0950123, MeSH D030342.
Congenital myasthenic syndrome 8. Also called: MYASTHENIC SYNDROME, CONGENITAL, DUE TO AGRIN DEFICIENCY; Myasthenic syndrome, congenital, 8, with pre- and postsynaptic defects. Identifiers: Orphanet 590, MedGen C3808739, MONDO:0014052, OMIM 615120.

Allele frequency attached by ClinVar (database versions not stated): gnomAD exomes below 0.00001 and 0.00002; gnomAD 0.00001; TOPMed 0.00002.
gnomAD v4.1: 36 of 1,611,518 alleles (0.0022%); highest among the groups gnomAD compares: Non-Finnish European, 0.0028%; no homozygotes.

Submissions (2):

Ambry Genetics
Classification: Uncertain significance for Inborn genetic diseases. Last evaluated: 2023-06-22. Review status: criteria provided, single submitter. Criteria: Ambry Variant Classification Scheme 2023. Collection method: clinical testing. Allele origin: germline.

Labcorp Genetics (formerly Invitae), Labcorp
Classification: Uncertain significance for Congenital myasthenic syndrome 8. Last evaluated: 2022-02-03. Review status: criteria provided, single submitter. Criteria: Invitae Variant Classification Sherloc (09022015). Collection method: clinical testing. Allele origin: germline.
Comment: This variant has not been reported in the literature in individuals affected with AGRN-related conditions. This sequence change replaces glycine, which is neutral and non-polar, with alanine, which is neutral and non-polar, at codon 476 of the AGRN protein (p.Gly476Ala). This variant is present in population databases (no rsID available, gnomAD 0.004%). ClinVar contains an entry for this variant (Variation ID: 582598). Algorithms developed to predict the effect of missense changes on protein structure and function are either unavailable or do not agree on the potential impact of this missense change (SIFT: "Deleterious"; PolyPhen-2: "Possibly Damaging"; Align-GVGD: "Class C0"). In summary, the available evidence is currently insufficient to determine the role of this variant in disease. Therefore, it has been classified as a Variant of Uncertain Significance.

NM_198576.4(AGRN):c.1427G>C (p.Gly476Ala)

Gene: AGRN (agrin; plus strand). Cytogenetic location: 1p36.33.
Variant type: single nucleotide variant.
Coding change: c.1427G>C on transcript NM_198576.4 (MANE Select); coding-DNA position 1427, G replaced by C.
Protein change: p.Gly476Ala; replaces glycine 476 with alanine.
Molecular consequence: missense variant.
Genome position (GRCh38, 1-based): chr1:1,043,281, G>C. VCF-style: chr1-1043281-G-C. GRCh37 (hg19) VCF-style: chr1-978661-G-C.
Other names: c.1427G>C, p.Gly476Ala (NM_001305275.2); c.1112G>C, p.Gly371Ala (NM_001364727.2); short protein forms G476A, G371A.
Identifiers: ClinVar variation 582598 (VCV000582598.10), dbSNP rs986280294, ClinGen allele CA16753417.